The following is an entry in ClinVar:

NM_015047.3(EMC1):c.2180G>T (p.Gly727Val)

Genes: EMC1 (ER membrane protein complex subunit 1; minus strand), EMC1-AS1 (EMC1 antisense RNA 1; plus strand). Cytogenetic location: 1p36.13.
Variant type: single nucleotide variant.
Coding change: c.2180G>T on transcript NM_015047.3 (MANE Select); coding-DNA position 2180, G replaced by T.
Protein change: p.Gly727Val; replaces glycine 727 with valine.
Molecular consequence: missense variant.
Genome position (GRCh38, 1-based): chr1:19,227,335, C>A on the plus strand (G>T on the coding strand, the complement: EMC1 is on the minus strand). VCF-style: chr1-19227335-C-A. GRCh37 (hg19) VCF-style: chr1-19553829-C-A.
Other names: c.2177G>T, p.Gly726Val (NM_001271427.2, NM_001271428.2); c.2114G>T, p.Gly705Val (NM_001271429.2); c.2189G>T, p.Gly730Val (NM_001375820.1); c.2186G>T, p.Gly729Val (NM_001375821.1); c.2180G>T (NM_015047.1); short protein forms G705V, G726V, G730V, G727V, G729V.
Identifiers: ClinVar variation 2762132 (VCV002762132.4), dbSNP rs2536696878, ClinGen allele CA338756412.
Genomic context (GRCh38, chr1:19,227,335, plus strand): 5'-AAGCCCTTGCTGTAGACCAGACAGCTGGCTGTATGTACCTTGTAGAGCACACTGCGGTCC[C>A]CCATCACACGGCCCTGGGAATGAACGTGCTCACTGCTGCGTTTCCCCTTCACCTTGACGA-3'
Protein context (NP_055862.1, residues 717-737): EHVHSQGRVM[Gly727Val]DRSVLYKSLN

ClinVar aggregate classification (germline): Uncertain significance. Review status: criteria provided, multiple submitters, no conflicts (2 of 4 stars). 2 submissions from 2 submitters: Uncertain significance (2). Last evaluated 2024-06-18.

Conditions:
Inborn genetic diseases. Identifiers: MedGen C0950123, MeSH D030342.

gnomAD v4.1: 1 of 1,614,146 alleles (0.000062%); highest among the groups gnomAD compares: Non-Finnish European, 0.000085%; no homozygotes.

Submissions (2):

Ambry Genetics
Classification: Uncertain significance for Inborn genetic diseases. Last evaluated: 2024-06-18. Review status: criteria provided, single submitter. Criteria: Ambry Variant Classification Scheme 2023. Collection method: clinical testing. Allele origin: germline.

Labcorp Genetics (formerly Invitae), Labcorp
Classification: Uncertain significance. Last evaluated: 2023-09-20. Review status: criteria provided, single submitter. Criteria: Invitae Variant Classification Sherloc (09022015). Collection method: clinical testing. Allele origin: germline.
Comment: In summary, the available evidence is currently insufficient to determine the role of this variant in disease. Therefore, it has been classified as a Variant of Uncertain Significance. Advanced modeling of protein sequence and biophysical properties (such as structural, functional, and spatial information, amino acid conservation, physicochemical variation, residue mobility, and thermodynamic stability) performed at Invitae indicates that this missense variant is expected to disrupt EMC1 protein function. This variant has not been reported in the literature in individuals affected with EMC1-related conditions. This variant is not present in population databases (gnomAD no frequency). This sequence change replaces glycine, which is neutral and non-polar, with valine, which is neutral and non-polar, at codon 727 of the EMC1 protein (p.Gly727Val).